The following is an entry in ClinVar:

ClinVar aggregate classification (germline): Likely benign. Review status: criteria provided, single submitter (1 of 4 stars). 2 submissions from 2 submitters: Likely benign (1). 1 of the submissions does not count toward it. Last evaluated 2026-01-20.

Conditions:
Autosomal recessive polycystic kidney disease (ARPKD). Also called: AR polycystic kidney disease. Identifiers: Orphanet 731, Orphanet 8378, MedGen C0085548, MeSH D017044, MONDO:0009889.
PKHD1-related disorder. Also called: PKHD1-related condition.

Submissions (2):

Labcorp Genetics (formerly Invitae), Labcorp
Classification: Likely benign for Autosomal recessive polycystic kidney disease. Last evaluated: 2026-01-20. Review status: criteria provided, single submitter. Criteria: Invitae Variant Classification Sherloc (09022015). Collection method: clinical testing. Allele origin: germline.

PreventionGenetics, part of Exact Sciences
Classification: Likely benign for PKHD1-related condition. Last evaluated: 2023-10-12. Review status: no assertion criteria provided. Collection method: clinical testing. Allele origin: germline. Not counted in ClinVar's aggregate classification.
Comment: This variant is classified as likely benign based on ACMG/AMP sequence variant interpretation guidelines (Richards et al. 2015 PMID: 25741868, with internal and published modifications).

NM_138694.4(PKHD1):c.10157-9_10157-5del

Gene: PKHD1 (PKHD1 ciliary IPT domain containing fibrocystin/polyductin; minus strand). Cytogenetic location: 6p12.3.
Variant type: Microsatellite.
Coding change: c.10157-9_10157-5del on transcript NM_138694.4 (MANE Select); 9 bases into the intron before coding-DNA position 10157 through 5 bases into the intron before coding-DNA position 10157, 5 bases deleted (CTTTT; older notation c.10157-9_10157-5delCTTTT).
Molecular consequence: intron variant.
Genome position (GRCh38, 1-based): chr6:51,659,974-51,659,978, AAAAG deleted on the plus strand (CTTTT on the coding strand, the reverse complement: PKHD1 is on the minus strand); deleting any 5 consecutive bases within chr6:51,659,974-51,659,985 gives the same sequence; the c. name uses the placement nearest the transcript's 3' end. VCF-style (leftmost placement, unchanged base first): chr6-51659973-TAAAAG-T. GRCh37 (hg19) VCF-style: chr6-51524771-TAAAAG-T.
Other names: c.10157-9_10157-5del (NM_138694.3); c.10157-9_10157-5del5 (NM_138694.3).
Identifiers: ClinVar variation 731812 (VCV000731812.13), dbSNP rs1374480151, ClinGen allele CA567635986.